The following is an entry in ClinVar:

ClinVar aggregate classification (germline): Uncertain significance. Review status: criteria provided, multiple submitters, no conflicts (2 of 4 stars). 2 submissions from 2 submitters: Uncertain significance (2). Last evaluated 2024-08-15.

Allele frequency attached by ClinVar (database versions not stated): gnomAD 0.00002; TOPMed 0.00004.
gnomAD v4.1: 4 of 1,567,322 alleles (0.00026%); highest among the groups gnomAD compares: Admixed American, 0.0036%; no homozygotes.

Submissions (2):

Ambry Genetics
Classification: Uncertain significance. Last evaluated: 2024-08-15. Review status: criteria provided, single submitter. Criteria: Ambry Variant Classification Scheme 2023. Collection method: clinical testing. Allele origin: germline.

Labcorp Genetics (formerly Invitae), Labcorp
Classification: Uncertain significance. Last evaluated: 2022-05-17. Review status: criteria provided, single submitter. Criteria: Invitae Variant Classification Sherloc (09022015). Collection method: clinical testing. Allele origin: germline.
Comment: This variant is not present in population databases (gnomAD no frequency). This sequence change replaces proline, which is neutral and non-polar, with serine, which is neutral and polar, at codon 514 of the POLE2 protein (p.Pro514Ser). This variant has not been reported in the literature in individuals affected with POLE2-related conditions. Algorithms developed to predict the effect of missense changes on protein structure and function (SIFT, PolyPhen-2, Align-GVGD) all suggest that this variant is likely to be disruptive. In summary, the available evidence is currently insufficient to determine the role of this variant in disease. Therefore, it has been classified as a Variant of Uncertain Significance.

NM_002692.4(POLE2):c.1540C>T (p.Pro514Ser)

Gene: POLE2 (DNA polymerase epsilon 2, accessory subunit; minus strand). Cytogenetic location: 14q21.3.
Variant type: single nucleotide variant.
Coding change: c.1540C>T on transcript NM_002692.4 (MANE Select); coding-DNA position 1540, C replaced by T.
Protein change: p.Pro514Ser; replaces proline 514 with serine.
Molecular consequence: missense variant.
Genome position (GRCh38, 1-based): chr14:49,647,318, G>A on the plus strand (C>T on the coding strand, the complement: POLE2 is on the minus strand). VCF-style: chr14-49647318-G-A. GRCh37 (hg19) VCF-style: chr14-50114036-G-A.
Other names: c.1462C>T, p.Pro488Ser (NM_001197330.2); c.1537C>T, p.Pro513Ser (NM_001348384.2); c.1309C>T, p.Pro437Ser (NM_001348385.2); c.1540C>T (NM_002692.3); short protein forms P514S, P437S, P488S, P513S.
Identifiers: ClinVar variation 2186896 (VCV002186896.5), dbSNP rs1302165595, ClinGen allele CA389635958.
Genomic context (GRCh38, chr14:49,647,318, plus strand): 5'-AAGATCTTTCTTGCTGTGTCTGTGCACACACTTACCTATCTTCTACTGTCTTATTAGAAG[G>A]ATAAAAAACTTTGAATGAAAATCCACTTCTTGGAAAAGAGCCCTTTGGGGGAGAAAAATG-3'
Protein context (NP_002683.2, residues 504-524): RSGFSFKVFY[Pro514Ser]SNKTVEDSKL